The following is an entry in ClinVar:

NM_000452.3(SLC10A2):c.281C>T (p.Pro94Leu)

Gene: SLC10A2 (solute carrier family 10 member 2; minus strand). Cytogenetic location: 13q33.1.
Variant type: single nucleotide variant.
Coding change: c.281C>T on transcript NM_000452.3 (MANE Select); coding-DNA position 281, C replaced by T.
Protein change: p.Pro94Leu; replaces proline 94 with leucine.
Molecular consequence: missense variant.
Genome position (GRCh38, 1-based): chr13:103,065,969, G>A on the plus strand (C>T on the coding strand, the complement: SLC10A2 is on the minus strand). VCF-style: chr13-103065969-G-A. GRCh37 (hg19) VCF-style: chr13-103718319-G-A.
Other names: c.281C>T (NM_000452.2); short protein forms P94L.
Identifiers: ClinVar variation 2076287 (VCV002076287.5), dbSNP rs139804161, ClinGen allele CA7042298.
Genomic context (GRCh38, chr13:103,065,969, plus strand): 5'-ATATTGGAGGCAGTTCCTCCAGGGCAGCATCCTATAATGAGCACCACTACGGCCTGGAGC[G>A]GGAGGATGTCAAAGGCCACCGACAGGATGAATCCTGTGAGGGGCATGATTCCAAACTGAC-3'
Protein context (NP_000443.2, residues 84-104): FILSVAFDIL[Pro94Leu]LQAVVVLIIG

ClinVar aggregate classification (germline): Uncertain significance. Review status: criteria provided, multiple submitters, no conflicts (2 of 4 stars). 2 submissions from 2 submitters: Uncertain significance (2). Last evaluated 2025-12-16.

Allele frequency attached by ClinVar (database versions not stated): gnomAD 0.00001; gnomAD exomes 0.00002; TOPMed 0.00002; ExAC 0.00003; ESP Exome Variant Server 0.00008.
gnomAD v4.1: 35 of 1,614,040 alleles (0.0022%); highest among the groups gnomAD compares: East Asian, 0.013%; no homozygotes.

Submissions (2):

Labcorp Genetics (formerly Invitae), Labcorp
Classification: Uncertain significance. Last evaluated: 2025-12-16. Review status: criteria provided, single submitter. Criteria: Invitae Variant Classification Sherloc (09022015). Collection method: clinical testing. Allele origin: germline.
Comment: This sequence change replaces proline, which is neutral and non-polar, with leucine, which is neutral and non-polar, at codon 94 of the SLC10A2 protein (p.Pro94Leu). This variant is present in population databases (rs139804161, gnomAD 0.02%). This variant has not been reported in the literature in individuals affected with SLC10A2-related conditions. ClinVar contains an entry for this variant (Variation ID: 2076287). Invitae Evidence Modeling of protein sequence and biophysical properties (such as structural, functional, and spatial information, amino acid conservation, physicochemical variation, residue mobility, and thermodynamic stability) indicates that this missense variant is not expected to disrupt SLC10A2 protein function with a negative predictive value of 80%. In summary, the available evidence is currently insufficient to determine the role of this variant in disease. Therefore, it has been classified as a Variant of Uncertain Significance.

Ambry Genetics
Classification: Uncertain significance. Last evaluated: 2024-05-21. Review status: criteria provided, single submitter. Criteria: Ambry Variant Classification Scheme 2023. Collection method: clinical testing. Allele origin: germline.